The following is an entry in ClinVar:

ClinVar aggregate classification (germline): Uncertain significance. Review status: criteria provided, multiple submitters, no conflicts (2 of 4 stars). 2 submissions from 2 submitters: Uncertain significance (2). Last evaluated 2022-06-22.

Conditions:
Immunodeficiency 35 (IMD35). Also called: HIES WITH ATYPICAL MYCOBACTERIOSIS, AUTOSOMAL RECESSIVE; HYPER-IgE SYNDROME WITH ATYPICAL MYCOBACTERIOSIS, AUTOSOMAL RECESSIVE; TYK2 DEFICIENCY; Susceptibility to infection due to TYK2 deficiency. Identifiers: Orphanet 331226, MedGen C1969086, MONDO:0012682, OMIM 611521.

Allele frequency attached by ClinVar (database versions not stated): ExAC 0.00004; gnomAD exomes 0.00004 and 0.00007; ESP Exome Variant Server 0.00008; TOPMed 0.00011; gnomAD 0.00012 and 0.00013.
gnomAD v4.1: 75 of 1,612,914 alleles (0.0046%); highest among the groups gnomAD compares: African/African-American, 0.025%; no homozygotes.

Submissions (2):

Labcorp Genetics (formerly Invitae), Labcorp
Classification: Uncertain significance for Immunodeficiency 35. Last evaluated: 2022-06-22. Review status: criteria provided, single submitter. Criteria: Invitae Variant Classification Sherloc (09022015). Collection method: clinical testing. Allele origin: germline.
Comment: This sequence change replaces arginine, which is basic and polar, with histidine, which is basic and polar, at codon 274 of the TYK2 protein (p.Arg274His). This variant is present in population databases (rs371937276, gnomAD 0.04%). This variant has not been reported in the literature in individuals affected with TYK2-related conditions. ClinVar contains an entry for this variant (Variation ID: 1004109). Algorithms developed to predict the effect of missense changes on protein structure and function output the following: SIFT: "Not Available"; PolyPhen-2: "Benign"; Align-GVGD: "Not Available". The histidine amino acid residue is found in multiple mammalian species, which suggests that this missense change does not adversely affect protein function. In summary, the available evidence is currently insufficient to determine the role of this variant in disease. Therefore, it has been classified as a Variant of Uncertain Significance.

Revvity Omics, Revvity
Classification: Uncertain significance for Immunodeficiency 35. Last evaluated: 2019-03-04. Review status: criteria provided, single submitter. Criteria: ACMG Guidelines, 2015. Collection method: clinical testing. Allele origin: germline.

NM_003331.5(TYK2):c.821G>A (p.Arg274His)

Gene: TYK2 (tyrosine kinase 2; minus strand). Cytogenetic location: 19p13.2.
Variant type: single nucleotide variant.
Coding change: c.821G>A on transcript NM_003331.5 (MANE Select); coding-DNA position 821, G replaced by A.
Protein change: p.Arg274His; replaces arginine 274 with histidine.
Molecular consequence: missense variant.
Genome position (GRCh38, 1-based): chr19:10,365,707, C>T on the plus strand (G>A on the coding strand, the complement: TYK2 is on the minus strand). VCF-style: chr19-10365707-C-T. GRCh37 (hg19) VCF-style: chr19-10476383-C-T.
Other names: c.821G>A, p.Arg274His (NM_001385197.1, NM_001385198.1, NM_001385199.1 and 7 more transcripts); c.731G>A, p.Arg244His (NM_001385205.1); short protein forms R244H, R274H.
Identifiers: ClinVar variation 1004109 (VCV001004109.6), dbSNP rs371937276, ClinGen allele CA9193604.
Genomic context (GRCh38, chr19:10,365,707, plus strand): 5'-CGGATGTAGCAGGGCTCCCCCTCGGCCTGGGCCAGCAGCCTCAGGTGGCACACGGGCACA[C>T]GCTCTGTGCCGAAGCGGGGTGCCAGCCGCTCGAGTGTGGCTAGGTATTTGACCATGACCA-3'
Protein context (NP_003322.3, residues 264-284): ERLAPRFGTE[Arg274His]VPVCHLRLLA